The following is an entry in ClinVar:

NM_000051.4(ATM):c.6835A>G (p.Lys2279Glu)

Genes: ATM (ATM serine/threonine kinase; plus strand), C11orf65 (chromosome 11 open reading frame 65; minus strand). Cytogenetic location: 11q22.3.
Variant type: single nucleotide variant.
Coding change: c.6835A>G on transcript NM_000051.4 (MANE Select); coding-DNA position 6835, A replaced by G.
Protein change: p.Lys2279Glu; replaces lysine 2279 with glutamic acid.
Molecular consequence: missense variant. On other transcripts: intron variant (2).
Genome position (GRCh38, 1-based): chr11:108,326,085, A>G. VCF-style: chr11-108326085-A-G. GRCh37 (hg19) VCF-style: chr11-108196812-A-G.
Other names: c.6835A>G, p.Lys2279Glu (NM_001351834.2); c.641-17014T>C (NM_001330368.2); c.*38+9135T>C (NM_001351110.2); short protein forms K2279E.
Identifiers: ClinVar variation 407547 (VCV000407547.33), dbSNP rs756898113, ClinGen allele CA6266022.

ClinVar aggregate classification (germline): Uncertain significance. Review status: criteria provided, multiple submitters, no conflicts (2 of 4 stars). 8 submissions from 8 submitters: Uncertain significance (7). 1 of the submissions does not count toward it. Last evaluated 2026-01-12.

Conditions:
Hereditary cancer-predisposing syndrome. Also called: Neoplastic Syndromes, Hereditary; Hereditary Cancer Syndrome; Tumor predisposition; Hereditary neoplastic syndrome. Identifiers: Orphanet 140162, MedGen C0027672, MeSH D009386, MONDO:0015356.
Familial cancer of breast. Also called: Hereditary breast cancer; BREAST CANCER, FAMILIAL; hereditary breast carcinoma. Identifiers: Orphanet 227535, MedGen C0346153, MONDO:0016419, OMIM 114480. Disease mechanism: loss of function.
Ataxia-telangiectasia syndrome (AT). Also called: LOUIS-BAR SYNDROME; Cerebello-oculocutaneous telangiectasia; Immunodeficiency with ataxia telangiectasia; Ataxia-telangiectasia, complementation group D; AT, COMPLEMENTATION GROUP C; Ataxia-telangiectasia, complementation group E. Identifiers: Orphanet 100, MedGen C0004135, MONDO:0008840, OMIM 208900.

Allele frequency attached by ClinVar (database versions not stated): gnomAD exomes 0.00002 and 0.00001; TOPMed below 0.00001; gnomAD 0.00001; ExAC 0.00002.
gnomAD v4.1: 6 of 1,614,024 alleles (0.00037%); highest among the groups gnomAD compares: Admixed American, 0.01%; no homozygotes.

Submissions (8):

Labcorp Genetics (formerly Invitae), Labcorp
Classification: Uncertain significance for Ataxia-telangiectasia syndrome. Last evaluated: 2026-01-12. Review status: criteria provided, single submitter. Criteria: Invitae Variant Classification Sherloc (09022015). Collection method: clinical testing. Allele origin: germline.
Comment: This sequence change replaces lysine, which is basic and polar, with glutamic acid, which is acidic and polar, at codon 2279 of the ATM protein (p.Lys2279Glu). This variant is present in population databases (rs756898113, gnomAD 0.01%). This variant has not been reported in the literature in individuals affected with ATM-related conditions. ClinVar contains an entry for this variant (Variation ID: 407547). Invitae Evidence Modeling of protein sequence and biophysical properties (such as structural, functional, and spatial information, amino acid conservation, physicochemical variation, residue mobility, and thermodynamic stability) has been performed for this missense variant. However, the output from this modeling did not meet the statistical confidence thresholds required to predict the impact of this variant on ATM protein function. In summary, the available evidence is currently insufficient to determine the role of this variant in disease. Therefore, it has been classified as a Variant of Uncertain Significance.

Quest Diagnostics Nichols Institute San Juan Capistrano
Classification: Uncertain significance. Last evaluated: 2024-11-20. Review status: criteria provided, single submitter. Criteria: Quest Diagnostics criteria. Collection method: clinical testing. Allele origin: unknown.
Comment: The ATM c.6835A>G (p.Lys2279Glu) variant has not been reported in individuals with ATM-related conditions in the published literature. The frequency of this variant in the general population, 0.00014 (5/34582 chromosomes (Genome Aggregation Database)), is uninformative in the assessment of its pathogenicity. Analysis of this variant using bioinformatics tools for the prediction of the effect of amino acid changes on protein structure and function yielded predictions that this variant is damaging. Based on the available information, we are unable to determine the clinical significance of this variant.

GeneDx
Classification: Uncertain significance. Last evaluated: 2024-07-12. Review status: criteria provided, single submitter. Criteria: GeneDx Variant Classification Process June 2021. Collection method: clinical testing. Allele origin: germline. Affected: yes.
Comment: Not observed at significant frequency in large population cohorts (gnomAD); In silico analysis indicates that this missense variant does not alter protein structure/function; Has not been previously published as pathogenic or benign to our knowledge; This variant is associated with the following publications: (PMID: 23532176)

Baylor Genetics
Classification: Uncertain significance for Familial cancer of breast. Last evaluated: 2024-03-21. Review status: criteria provided, single submitter. Criteria: ACMG Guidelines, 2015. Collection method: clinical testing. Allele origin: unknown.

Color Diagnostics, LLC DBA Color Health
Classification: Uncertain significance for Hereditary cancer-predisposing syndrome. Last evaluated: 2024-03-06. Review status: criteria provided, single submitter. Criteria: ACMG Guidelines, 2015. Collection method: clinical testing. Allele origin: germline.
Comment: This missense variant replaces lysine with glutamic acid at codon 2279 of the ATM protein. Computational prediction is inconclusive regarding the impact of this variant on protein structure and function (internally defined REVEL score threshold 0.5 < inconclusive < 0.7, PMID: 27666373). To our knowledge, functional studies have not been reported for this variant. This variant has not been reported in individuals affected with hereditary cancer in the literature. This variant has been identified in 5/251122 chromosomes in the general population by the Genome Aggregation Database (gnomAD). The available evidence is insufficient to determine the role of this variant in disease conclusively. Therefore, this variant is classified as a Variant of Uncertain Significance.

Ambry Genetics
Classification: Uncertain significance for Hereditary cancer-predisposing syndrome. Last evaluated: 2024-01-27. Review status: criteria provided, single submitter. Criteria: Ambry Variant Classification Scheme 2023. Collection method: clinical testing. Allele origin: germline.
Comment: The p.K2279E variant (also known as c.6835A>G), located in coding exon 46 of the ATM gene, results from an A to G substitution at nucleotide position 6835. The lysine at codon 2279 is replaced by glutamic acid, an amino acid with similar properties. This amino acid position is highly conserved in available vertebrate species. In addition, this alteration is predicted to be deleterious by in silico analysis. Since supporting evidence is limited at this time, the clinical significance of this alteration remains unclear.

Women's Health and Genetics/Laboratory Corporation of America, LabCorp
Classification: Uncertain significance. Last evaluated: 2019-09-20. Review status: criteria provided, single submitter. Criteria: LabCorp Variant Classification Summary - May 2015. Collection method: clinical testing. Allele origin: germline.
Comment: Variant summary: ATM c.6835A>G (p.Lys2279Glu) results in a conservative amino acid change located in the FAT domain (IPR003151) of the encoded protein sequence. Three of five in-silico tools predict a damaging effect of the variant on protein function. The variant allele was found at a frequency of 2e-05 in 251122 control chromosomes (gnomAD). The available data on variant occurrences in the general population are insufficient to allow any conclusion about variant significance. To our knowledge, no occurrence of c.6835A>G in individuals affected with Ataxia-Telangiectasia and no experimental evidence demonstrating an impact on protein function have been reported. Two other ClinVar submitters (evaluation after 2014) cite the variant as uncertain significance. Based on the evidence outlined above, the variant was classified as uncertain significance.

Natera, Inc.
Classification: Uncertain significance for Ataxia-telangiectasia. Last evaluated: 2021-05-20. Review status: no assertion criteria provided. Collection method: clinical testing. Allele origin: germline. Not counted in ClinVar's aggregate classification.